The following is an entry in ClinVar:

ClinVar aggregate classification (germline): Conflicting classifications of pathogenicity. Review status: criteria provided, conflicting classifications (1 of 4 stars). 3 submissions from 3 submitters: Uncertain significance (2); Likely benign (1). Last evaluated 2026-01-26.

Conditions:
Familial acute necrotizing encephalopathy (IIAE3). Also called: Susceptibility to Acute Necrotizing Encephalopathy 1; ENCEPHALOPATHY, ACUTE, INFECTION-INDUCED, SUSCEPTIBILITY TO, 3. Identifiers: Orphanet 88619, MedGen C2675556, MONDO:0011953, OMIM 608033.

Allele frequency attached by ClinVar (database versions not stated): ExAC 0.00022.

Submissions (6):

Labcorp Genetics (formerly Invitae), Labcorp
Classification: Uncertain significance for Familial acute necrotizing encephalopathy. Last evaluated: 2026-01-26. Review status: criteria provided, single submitter. Criteria: Invitae Variant Classification Sherloc (09022015). Collection method: clinical testing. Allele origin: germline.
Comment: This sequence change replaces histidine, which is basic and polar, with glutamine, which is neutral and polar, at codon 466 of the RANBP2 protein (p.His466Gln). The frequency data for this variant in the population databases is considered unreliable, as metrics indicate poor data quality at this position in the gnomAD database. This variant has not been reported in the literature in individuals affected with RANBP2-related conditions. ClinVar contains an entry for this variant (Variation ID: 537214). An algorithm developed to predict the effect of missense changes on protein structure and function outputs the following: PolyPhen-2: "Benign". The glutamine amino acid residue is found in multiple mammalian species, which suggests that this missense change does not adversely affect protein function. In summary, the available evidence is currently insufficient to determine the role of this variant in disease. Therefore, it has been classified as a Variant of Uncertain Significance.

Ambry Genetics
Classification: Likely benign. Last evaluated: 2023-03-31. Review status: criteria provided, single submitter. Criteria: Ambry Variant Classification Scheme 2023. Collection method: clinical testing. Allele origin: germline.

Breakthrough Genomics
Classification: Uncertain significance. Review status: criteria provided, single submitter. Criteria: ACMG Guidelines, 2015. Collection method: not provided. Allele origin: germline. Inheritance: Autosomal dominant inheritance. Affected: yes.

Dr. Peter K. Rogan Lab, Western University
No classification provided (evidence only). Condition: Malignant lymphoma, large B-cell, diffuse. Review status: no classification provided. Collection method: in vitro. Allele origin: not applicable. Functional consequence: retained intron. Not counted in ClinVar's aggregate classification.

Dr. Peter K. Rogan Lab, Western University
No classification provided (evidence only). Condition: Cholangiocarcinoma. Review status: no classification provided. Collection method: in vitro. Allele origin: not applicable. Functional consequence: retained intron. Not counted in ClinVar's aggregate classification.

Dr. Peter K. Rogan Lab, Western University
No classification provided (evidence only). Condition: Cholangiocarcinoma. Review status: no classification provided. Collection method: in vitro. Allele origin: not applicable. Functional consequence: retained intron. Not counted in ClinVar's aggregate classification.

NM_006267.5(RANBP2):c.1398T>G (p.His466Gln)

Gene: RANBP2 (RAN binding protein 2; plus strand). Cytogenetic location: 2q13.
Variant type: single nucleotide variant.
Coding change: c.1398T>G on transcript NM_006267.5 (MANE Select); coding-DNA position 1398, T replaced by G.
Protein change: p.His466Gln; replaces histidine 466 with glutamine.
Molecular consequence: missense variant.
Genome position (GRCh38, 1-based): chr2:108,751,388, T>G. VCF-style: chr2-108751388-T-G. GRCh37 (hg19) VCF-style: chr2-109367844-T-G.
Other names: short protein forms H466Q.
Identifiers: ClinVar variation 537214 (VCV000537214.12), dbSNP rs746894026, ClinGen allele CA1822314.